The following is an entry in ClinVar:

ClinVar aggregate classification (germline): Uncertain significance. Review status: criteria provided, single submitter (1 of 4 stars). 2 submissions from 2 submitters: Uncertain significance (1). 1 of the submissions does not count toward it. Last evaluated 2025-11-07.

Conditions:
RIPOR2-related disorder. Also called: RIPOR2-related condition.

gnomAD v4.1: 33 of 1,551,298 alleles (0.0021%); highest among the groups gnomAD compares: South Asian, 0.038%; no homozygotes.

Submissions (2):

Ambry Genetics
Classification: Uncertain significance. Last evaluated: 2025-11-07. Review status: criteria provided, single submitter. Criteria: Ambry Variant Classification Scheme 2023. Collection method: clinical testing. Allele origin: germline.

PreventionGenetics, part of Exact Sciences
Classification: Uncertain significance for RIPOR2-related condition. Last evaluated: 2024-05-02. Review status: no assertion criteria provided. Collection method: clinical testing. Allele origin: germline. Not counted in ClinVar's aggregate classification.
Comment: The RIPOR2 c.2504T>C variant is predicted to result in the amino acid substitution p.Met835Thr. To our knowledge, this variant has not been reported in the literature. This variant is reported in 0.048% of alleles in individuals of South Asian descent in gnomAD. At this time, the clinical significance of this variant is uncertain due to the absence of conclusive functional and genetic evidence.

NM_001286445.3(RIPOR2):c.2441T>C (p.Met814Thr)

Gene: RIPOR2 (RHO family interacting cell polarization regulator 2; minus strand). Cytogenetic location: 6p22.3.
Variant type: single nucleotide variant.
Coding change: c.2441T>C on transcript NM_001286445.3 (MANE Select); coding-DNA position 2441, T replaced by C.
Protein change: p.Met814Thr; replaces methionine 814 with threonine.
Molecular consequence: missense variant.
Genome position (GRCh38, 1-based): chr6:24,830,574, A>G on the plus strand (T>C on the coding strand, the complement: RIPOR2 is on the minus strand). VCF-style: chr6-24830574-A-G. GRCh37 (hg19) VCF-style: chr6-24830802-A-G.
Other names: c.2354T>C, p.Met785Thr (NM_001346031.2, NM_001346032.2); c.2504T>C, p.Met835Thr (NM_014722.5); c.2504T>C (NM_014722.2); short protein forms M785T, M814T, M835T.
Identifiers: ClinVar variation 3352092 (VCV003352092.2).